The following is an entry in ClinVar:

NM_001184.4(ATR):c.4990G>A (p.Glu1664Lys)

Gene: ATR (ATR checkpoint kinase; minus strand). Cytogenetic location: 3q23.
Variant type: single nucleotide variant.
Coding change: c.4990G>A on transcript NM_001184.4 (MANE Select); coding-DNA position 4990, G replaced by A.
Protein change: p.Glu1664Lys; replaces glutamic acid 1664 with lysine.
Molecular consequence: missense variant.
Genome position (GRCh38, 1-based): chr3:142,507,972, C>T on the plus strand (G>A on the coding strand, the complement: ATR is on the minus strand). VCF-style: chr3-142507972-C-T. GRCh37 (hg19) VCF-style: chr3-142226814-C-T.
Other names: c.4798G>A, p.Glu1600Lys (NM_001354579.2); short protein forms E1664K, E1600K.
Identifiers: ClinVar variation 1744599 (VCV001744599.3), dbSNP rs2473199998, ClinGen allele CA354820492.
Genomic context (GRCh38, chr3:142,507,972, plus strand): 5'-CACTATATTAACTTCAGACCTGTAAAAATCCAAGATGTTCCTGAATATTTTGCTTCTTTT[C>T]TGTAATAAATGATTCAAAGTGCATTACAGCTCGTGTGTATGCTTTGGAGCGAAAGGAAGC-3'
Protein context (NP_001175.2, residues 1654-1674): AVMHFESFIT[Glu1664Lys]KKQNIQEHLG

ClinVar aggregate classification (germline): Uncertain significance (1 of 4 stars; one submission).

Conditions:
Inborn genetic diseases. Identifiers: MedGen C0950123, MeSH D030342.

Submission:

Ambry Genetics
Classification: Uncertain significance for Inborn genetic diseases. Last evaluated: 2024-10-18. Review status: criteria provided, single submitter. Criteria: Ambry Variant Classification Scheme 2023. Collection method: clinical testing. Allele origin: germline.
Comment: The p.E1664K variant (also known as c.4990G>A), located in coding exon 28 of the ATR gene, results from a G to A substitution at nucleotide position 4990. The glutamic acid at codon 1664 is replaced by lysine, an amino acid with similar properties. This amino acid position is conserved. In addition, the in silico prediction for this alteration is inconclusive. Since supporting evidence is limited at this time, the clinical significance of this alteration remains unclear.